The following is an entry in ClinVar:

NM_003242.6(TGFBR2):c.1282G>C (p.Glu428Gln)

Gene: TGFBR2 (transforming growth factor beta receptor 2; plus strand). Cytogenetic location: 3p24.1.
Variant type: single nucleotide variant.
Coding change: c.1282G>C on transcript NM_003242.6 (MANE Select); coding-DNA position 1282, G replaced by C.
Protein change: p.Glu428Gln; replaces glutamic acid 428 with glutamine.
Molecular consequence: missense variant.
Genome position (GRCh38, 1-based): chr3:30,674,132, G>C. VCF-style: chr3-30674132-G-C. GRCh37 (hg19) VCF-style: chr3-30715624-G-C.
Other names: c.1357G>C, p.Glu453Gln (NM_001024847.3); c.1465G>C, p.Glu489Gln (NM_001407126.1); c.1390G>C, p.Glu464Gln (NM_001407127.1); c.1309G>C, p.Glu437Gln (NM_001407128.1); c.1285G>C, p.Glu429Gln (NM_001407129.1); c.1282G>C, p.Glu428Gln (NM_001407130.1); c.1177G>C, p.Glu393Gln (NM_001407132.1, NM_001407133.1, NM_001407134.1 and 2 more transcripts); c.997G>C, p.Glu333Gln (NM_001407137.1); and 1 more; short protein forms E428Q, E453Q, E308Q, E333Q, E429Q, E437Q, E464Q, E489Q.
Identifiers: ClinVar variation 44654 (VCV000044654.6), dbSNP rs397516838, ClinGen allele CA020653.

ClinVar aggregate classification (germline): Uncertain significance (1 of 4 stars; one submission).

Submission:

Laboratory for Molecular Medicine, Mass General Brigham Personalized Medicine
Classification: Uncertain significance. Last evaluated: 2011-12-19. Review status: criteria provided, single submitter. Criteria: LMM Criteria. Collection method: clinical testing. Allele origin: germline. Observed: 1 variant allele.
Comment: Variant classified as Uncertain Significance - Favor Pathogenic. The Glu428Gln v ariant has not been reported in the literature nor been identified by our labora tory. Glutamic acid (Glu) at this residue is highly conserved across evolutiona rily distant species, suggesting that a change to the amino acid may not be tole rated. Furthermore, it has been reported that the glutamic acid at position 428 is conserved across the TGF-B family of proteins and this residue creates a sal t bridge with the arginine at position 528 (Horbelt 2010). Pathogenic variants at the Arg528 residue have been reported and due to the reported structural inte raction of these two residues, it is possible that a change to the Gly428 positi on may also impact the protein. Computation tools (PolyPhen-2 and SIFT) predict that this variant will impact the protein but it should be noted that the accur acy of these prediction tools is unknown. Although this information may be sugg estive of a pathogenic role, the clinical significance of this variant cannot be determined at this time in the absence of additional information such as contro l studies, segregation data, or functional analyses.

Literature cited by the submitters: PubMed 21098638.